The following is an entry in ClinVar:

NM_198578.4(LRRK2):c.3490T>G (p.Phe1164Val)

Gene: LRRK2 (leucine rich repeat kinase 2; plus strand). Cytogenetic location: 12q12.
Variant type: single nucleotide variant.
Coding change: c.3490T>G on transcript NM_198578.4 (MANE Select); coding-DNA position 3490, T replaced by G.
Protein change: p.Phe1164Val; replaces phenylalanine 1164 with valine.
Molecular consequence: missense variant.
Genome position (GRCh38, 1-based): chr12:40,299,251, T>G. VCF-style: chr12-40299251-T-G. GRCh37 (hg19) VCF-style: chr12-40693053-T-G.
Other names: c.3490T>G (NM_198578.3); short protein forms F1164V.
Identifiers: ClinVar variation 2879175 (VCV002879175.4), dbSNP rs1944529290, ClinGen allele CA384416017.
Genomic context (GRCh38, chr12:40,299,251, plus strand): 5'-CTATCAGAGAACTTTCTTGAGGCTTGTCCTAAAGTGGAGAGTTTCAGTGCCAGAATGAAT[T>G]TTCTTGGTAAGTGTTCTGTGTGGGTCTCCTCCTTACCAGGCCCTCTAAGTTGTACAAGAT-3'
Protein context (NP_940980.4, residues 1154-1174): KVESFSARMN[Phe1164Val]LAAMPFLPPS

ClinVar aggregate classification (germline): Uncertain significance. Review status: criteria provided, multiple submitters, no conflicts (2 of 4 stars). 2 submissions from 2 submitters: Uncertain significance (2). Last evaluated 2024-06-24.

Conditions:
Inborn genetic diseases. Identifiers: MedGen C0950123, MeSH D030342.
Autosomal dominant Parkinson disease 8. Also called: LRRK2-Related Parkinson Disease; Parkinson disease 8; Parkinson disease 8, susceptibility to. Identifiers: Orphanet 411602, MedGen C1846862, MONDO:0011764, OMIM 607060.

Allele frequency attached by ClinVar (database versions not stated): gnomAD exomes below 0.00001; TOPMed below 0.00001.
gnomAD v4.1: 1 of 1,613,234 alleles (0.000062%); no homozygotes.

Submissions (2):

Ambry Genetics
Classification: Uncertain significance for Inborn genetic diseases. Last evaluated: 2024-06-24. Review status: criteria provided, single submitter. Criteria: Ambry Variant Classification Scheme 2023. Collection method: clinical testing. Allele origin: germline.
Comment: The p.F1164V variant (also known as c.3490T>G), located in coding exon 25 of the LRRK2 gene, results from a T to G substitution at nucleotide position 3490. The phenylalanine at codon 1164 is replaced by valine, an amino acid with highly similar properties. This amino acid position is conserved. In addition, this alteration is predicted to be tolerated by in silico analysis. Based on the available evidence, the clinical significance of this variant remains unclear.

Labcorp Genetics (formerly Invitae), Labcorp
Classification: Uncertain significance for Autosomal dominant Parkinson disease 8. Last evaluated: 2023-06-07. Review status: criteria provided, single submitter. Criteria: Invitae Variant Classification Sherloc (09022015). Collection method: clinical testing. Allele origin: germline.
Comment: In summary, the available evidence is currently insufficient to determine the role of this variant in disease. Therefore, it has been classified as a Variant of Uncertain Significance. Advanced modeling of protein sequence and biophysical properties (such as structural, functional, and spatial information, amino acid conservation, physicochemical variation, residue mobility, and thermodynamic stability) has been performed at Invitae for this missense variant, however the output from this modeling did not meet the statistical confidence thresholds required to predict the impact of this variant on LRRK2 protein function. This variant has not been reported in the literature in individuals affected with LRRK2-related conditions. This variant is not present in population databases (gnomAD no frequency). This sequence change replaces phenylalanine, which is neutral and non-polar, with valine, which is neutral and non-polar, at codon 1164 of the LRRK2 protein (p.Phe1164Val).